The following is an entry in ClinVar:

ClinVar aggregate classification (germline): Uncertain significance. Review status: criteria provided, multiple submitters, no conflicts (2 of 4 stars). 2 submissions from 2 submitters: Uncertain significance (2). Last evaluated 2025-08-05.

Conditions:
Renal cell carcinoma. Identifiers: Orphanet 217071, MedGen C0007134, MeSH D002292, MONDO:0005086, HP:0005584.
Hereditary cancer-predisposing syndrome. Also called: Neoplastic Syndromes, Hereditary; Tumor predisposition; Hereditary neoplastic syndrome; Hereditary Cancer Syndrome. Identifiers: Orphanet 140162, MedGen C0027672, MeSH D009386, MONDO:0015356.

Allele frequency attached by ClinVar (database versions not stated): gnomAD exomes below 0.00001.
gnomAD v4.1: 7 of 1,614,132 alleles (0.00043%); highest among the groups gnomAD compares: South Asian, 0.0066%; no homozygotes.

Submissions (2):

Ambry Genetics
Classification: Uncertain significance for Hereditary cancer-predisposing syndrome. Last evaluated: 2025-08-05. Review status: criteria provided, single submitter. Criteria: Ambry Variant Classification Scheme 2023. Collection method: clinical testing. Allele origin: germline.

Labcorp Genetics (formerly Invitae), Labcorp
Classification: Uncertain significance for Renal cell carcinoma. Last evaluated: 2025-02-17. Review status: criteria provided, single submitter. Criteria: Invitae Variant Classification Sherloc (09022015). Collection method: clinical testing. Allele origin: germline.
Comment: This sequence change replaces methionine, which is neutral and non-polar, with threonine, which is neutral and polar, at codon 227 of the MET protein (p.Met227Thr). This variant is present in population databases (no rsID available, gnomAD 0.003%). This variant has not been reported in the literature in individuals affected with MET-related conditions. ClinVar contains an entry for this variant (Variation ID: 826635). An algorithm developed to predict the effect of missense changes on protein structure and function (PolyPhen-2) suggests that this variant is likely to be tolerated. In summary, the available evidence is currently insufficient to determine the role of this variant in disease. Therefore, it has been classified as a Variant of Uncertain Significance.

NM_000245.4(MET):c.680T>C (p.Met227Thr)

Gene: MET (MET proto-oncogene, receptor tyrosine kinase; plus strand). Cytogenetic location: 7q31.2.
Variant type: single nucleotide variant.
Coding change: c.680T>C on transcript NM_000245.4 (MANE Select); coding-DNA position 680, T replaced by C.
Protein change: p.Met227Thr; replaces methionine 227 with threonine.
Molecular consequence: missense variant. On other transcripts: intron variant (1).
Genome position (GRCh38, 1-based): chr7:116,699,764, T>C. VCF-style: chr7-116699764-T-C. GRCh37 (hg19) VCF-style: chr7-116339818-T-C.
Other names: c.680T>C, p.Met227Thr (NM_001127500.3, NM_001324401.3); c.-91+27187T>C (NM_001324402.2); short protein forms M227T.
Identifiers: ClinVar variation 826635 (VCV000826635.15), dbSNP rs1226545782, ClinGen allele CA368969608.